The following is an entry in ClinVar:

NM_000186.4(CFH):c.901_902del (p.Ala301fs)

Gene: CFH (complement factor H; plus strand). Cytogenetic location: 1q31.3.
Variant type: Deletion.
Coding change: c.901_902del on transcript NM_000186.4 (MANE Select); coding-DNA positions 901 to 902, 2 bases deleted (GC; older notation c.901_902delGC).
Protein change: p.Ala301fs; shifts the reading frame from alanine 301.
Molecular consequence: frameshift variant.
Genome position (GRCh38, 1-based): chr1:196,685,174-196,685,175, GC deleted. VCF-style (leftmost placement, unchanged base first): chr1-196685173-TGC-T. GRCh37 (hg19) VCF-style: chr1-196654303-TGC-T.
Other names: c.901_902del, p.Ala301fs (NM_001014975.3); short protein forms A301fs.
Identifiers: ClinVar variation 4291651 (VCV004291651.1).

ClinVar aggregate classification (germline): Likely pathogenic, low penetrance (1 of 4 stars; one submission).

Conditions:
Basal laminar drusen. Also called: DRUSEN OF BRUCH MEMBRANE; DRUSEN, CUTICULAR; DRUSEN, EARLY ADULT-ONSET, GROUPED. Identifiers: Orphanet 75376, MedGen C0730295, MONDO:0007472, OMIM 126700.

Submission:

Genomenon, Inc
Classification: Likely pathogenic, low penetrance for Basal laminar drusen. Last evaluated: 2025-10-02. Review status: criteria provided, single submitter. Criteria: Genomenon Sequence Variant Interpretation Standards - Updated. Collection method: curation. Allele origin: germline. Affected: yes.
Comment: CFH p.Ala301AsnfsTer25 (c.901_902del) is a frameshift variant that results in the production of a truncated protein which is predicted to undergo nonsense-mediated mRNA decay. This variant has been observed in at least one proband affected with basal laminar drusen (PMID:25814826). It is absent or not present at a significant frequency in gnomAD. In conclusion, we classify CFH p.Ala301AsnfsTer25 (c.901_902del) as a likely pathogenic, low penetrance variant.

Literature cited by the submitters: PubMed 25814826.